The following is an entry in ClinVar:

NM_000548.5(TSC2):c.399C>T (p.Asn133=)

Gene: TSC2 (TSC complex subunit 2; plus strand). Cytogenetic location: 16p13.3.
Variant type: single nucleotide variant.
Coding change: c.399C>T on transcript NM_000548.5 (MANE Select); coding-DNA position 399, C replaced by T.
Protein change: p.Asn133=; no amino-acid change (asparagine 133 retained).
Molecular consequence: synonymous variant. On other transcripts: intron variant (1).
Genome position (GRCh38, 1-based): chr16:2,054,358, C>T. VCF-style: chr16-2054358-C-T. GRCh37 (hg19) VCF-style: chr16-2104359-C-T.
Other names: c.399C>T, p.Asn133= (NM_001077183.3, NM_001114382.3, NM_001363528.2 and 3 more transcripts); c.288C>T, p.Asn96= (NM_001318827.2); c.252C>T, p.Asn84= (NM_001318829.2); c.432C>T, p.Asn144= (NM_001318832.2); c.-1-1838C>T (NM_001318831.2).
Identifiers: ClinVar variation 536035 (VCV000536035.16), dbSNP rs746704620, ClinGen allele CA049898.

ClinVar aggregate classification (germline): Benign/Likely benign. Review status: criteria provided, multiple submitters, no conflicts (2 of 4 stars). 5 submissions from 5 submitters: Benign (2); Likely benign (3). Last evaluated 2025-12-01.

Conditions:
Tuberous sclerosis 2 (TSC2). Identifiers: Orphanet 805, MedGen C1860707, MONDO:0013199, OMIM 613254.
Tuberous sclerosis syndrome (TSC). Also called: Tuberous Sclerosis Complex; Tuberous sclerosis. Identifiers: Orphanet 805, MedGen C0041341, MONDO:0001734.
Hereditary cancer-predisposing syndrome. Also called: Neoplastic Syndromes, Hereditary; Tumor predisposition; Hereditary Cancer Syndrome; Hereditary neoplastic syndrome. Identifiers: Orphanet 140162, MedGen C0027672, MeSH D009386, MONDO:0015356.

Allele frequency attached by ClinVar (database versions not stated): ExAC 0.00001; gnomAD exomes 0.00001; gnomAD 0.00006.
gnomAD v4.1: 22 of 1,614,072 alleles (0.0014%); highest among the groups gnomAD compares: East Asian, 0.0022%; no homozygotes.

Submissions (5):

Labcorp Genetics (formerly Invitae), Labcorp
Classification: Benign for Tuberous sclerosis 2. Last evaluated: 2025-12-01. Review status: criteria provided, single submitter. Criteria: Invitae Variant Classification Sherloc (09022015). Collection method: clinical testing. Allele origin: germline.

Myriad Genetics, Inc.
Classification: Benign for Tuberous sclerosis 2. Last evaluated: 2025-05-05. Review status: criteria provided, single submitter. Criteria: Myriad Autosomal Dominant, Autosomal Recessive and X-Linked Classification Criteria (2023). Collection method: clinical testing. Allele origin: unknown.
Comment: This variant is considered benign. This variant is a silent/synonymous amino acid change and it is not expected to impact splicing.

All of Us Research Program, National Institutes of Health
Classification: Likely benign for Tuberous sclerosis syndrome. Last evaluated: 2023-10-27. Review status: criteria provided, single submitter. Criteria: ACMG Guidelines, 2015. Collection method: clinical testing. Allele origin: germline. Inheritance: Autosomal dominant inheritance. Observed: 2 variant alleles, 2 heterozygotes.
Comment: This study involves interpretation of variants in research participants for the purpose of population health screening. Participant phenotype was not available at the time of variant classification. Additional details can be found in publication PMID: 35346344, PMCID: PMC8962531

Color Diagnostics, LLC DBA Color Health
Classification: Likely benign for Tuberous sclerosis syndrome. Last evaluated: 2022-09-12. Review status: criteria provided, single submitter. Criteria: ACMG Guidelines, 2015. Collection method: clinical testing. Allele origin: germline.

Ambry Genetics
Classification: Likely benign for Hereditary cancer-predisposing syndrome. Last evaluated: 2015-11-14. Review status: criteria provided, single submitter. Criteria: Ambry Variant Classification Scheme 2023. Collection method: clinical testing. Allele origin: germline.